The following is an entry in ClinVar:

NM_001199753.2(CPT1C):c.899G>T (p.Arg300Leu)

Gene: CPT1C (carnitine palmitoyltransferase 1C; plus strand). Cytogenetic location: 19q13.33.
Variant type: single nucleotide variant.
Coding change: c.899G>T on transcript NM_001199753.2 (MANE Select); coding-DNA position 899, G replaced by T.
Protein change: p.Arg300Leu; replaces arginine 300 with leucine.
Molecular consequence: missense variant. On other transcripts: non-coding transcript variant (1).
Genome position (GRCh38, 1-based): chr19:49,705,233, G>T. VCF-style: chr19-49705233-G-T. GRCh37 (hg19) VCF-style: chr19-50208490-G-T.
Other names: c.866G>T, p.Arg289Leu (NM_001136052.3, NM_001378485.1, NM_001378487.1); c.899G>T, p.Arg300Leu (NM_001199752.3, NM_001378483.1, NM_001378484.1 and 3 more transcripts); c.965G>T, p.Arg322Leu (NM_001378482.1); short protein forms R289L, R300L, R322L.
Identifiers: ClinVar variation 3901925 (VCV003901925.1).

ClinVar aggregate classification (germline): Uncertain significance (1 of 4 stars; one submission).

Conditions:
Hereditary spastic paraplegia 73. Also called: Spastic paraplegia 73, autosomal dominant. Identifiers: Orphanet 444099, MedGen C5568981, MONDO:0014568, OMIM 616282.

Submission:

Laboratorio de Genetica e Diagnostico Molecular, Hospital Israelita Albert Einstein
Classification: Uncertain significance for Hereditary spastic paraplegia 73. Last evaluated: 2023-11-27. Review status: criteria provided, single submitter. Criteria: ACMG Guidelines, 2015. Collection method: clinical testing. Allele origin: germline. Affected: yes.
Comment: ACMG classification criteria: PM2 moderate